The following is an entry in ClinVar:

NM_001365276.2(TNXB):c.2797C>T (p.Leu933Phe)

Gene: TNXB (tenascin XB; minus strand). Cytogenetic location: 6p21.33.
Variant type: single nucleotide variant.
Coding change: c.2797C>T on transcript NM_001365276.2 (MANE Select); coding-DNA position 2797, C replaced by T.
Protein change: p.Leu933Phe; replaces leucine 933 with phenylalanine.
Molecular consequence: missense variant.
Genome position (GRCh38, 1-based): chr6:32,086,101, G>A on the plus strand (C>T on the coding strand, the complement: TNXB is on the minus strand). VCF-style: chr6-32086101-G-A. GRCh37 (hg19) VCF-style: chr6-32053878-G-A.
Other names: c.3538C>T, p.Leu1180Phe (NM_001428335.1); c.2797C>T, p.Leu933Phe (NM_019105.8); short protein forms L933F, L1180F.
Identifiers: ClinVar variation 5031022 (VCV005031022.1).
Genomic context (GRCh38, chr6:32,086,101, plus strand): 5'-CCTGGGCCCCTTGCGTCGTCGAGGGGCCTGAGGGAGGAGGCTCATCGGTAGTCCCCAAGA[G>A]GCCCAAGGGTGAGGACCCTGGGAAGGGGCAGGGTGAGAAAAAGAGGAGAGTCCAGTATGA-3'
Protein context (NP_001352205.1, residues 923-943): RANTGSSPLG[Leu933Phe]LGTTDEPPPS

ClinVar aggregate classification (germline): Uncertain significance (1 of 4 stars; one submission).

Conditions:
Cardiovascular phenotype. Identifiers: MedGen CN230736.

gnomAD v4.1: 2 of 1,542,062 alleles (0.00013%); highest among the groups gnomAD compares: Non-Finnish European, 0.00018%; no homozygotes.

Submission:

Ambry Genetics
Classification: Uncertain significance for Cardiovascular phenotype. Last evaluated: 2026-07-19. Review status: criteria provided, single submitter. Criteria: Ambry Variant Classification Scheme 2023. Collection method: clinical testing. Allele origin: germline.
Comment: The p.L933F variant (also known as c.2797C>T), located in coding exon 6 of the TNXB gene, results from a C to T substitution at nucleotide position 2797. The leucine at codon 933 is replaced by phenylalanine, an amino acid with highly similar properties. This amino acid position is conserved. In addition, this alteration is predicted to be tolerated by in silico analysis. Based on the available evidence, the clinical significance of this variant remains unclear.